The following is an entry in ClinVar:

NM_005883.3(APC2):c.1459C>T (p.Arg487Cys)

Gene: APC2 (APC regulator of Wnt signaling pathway 2; plus strand). Cytogenetic location: 19p13.3.
Variant type: single nucleotide variant.
Coding change: c.1459C>T on transcript NM_005883.3 (MANE Select); coding-DNA position 1459, C replaced by T.
Protein change: p.Arg487Cys; replaces arginine 487 with cysteine.
Molecular consequence: missense variant.
Genome position (GRCh38, 1-based): chr19:1,460,795, C>T. VCF-style: chr19-1460795-C-T. GRCh37 (hg19) VCF-style: chr19-1460794-C-T.
Other names: c.1456C>T, p.Arg486Cys (NM_001351273.1); short protein forms R486C, R487C.
Identifiers: ClinVar variation 4582783 (VCV004582783.2).

ClinVar aggregate classification (germline): Uncertain significance. Review status: criteria provided, multiple submitters, no conflicts (2 of 4 stars). 2 submissions from 2 submitters: Uncertain significance (2). Last evaluated 2025-11-01.

Conditions:
Inborn genetic diseases. Identifiers: MedGen C0950123, MeSH D030342.

gnomAD v4.1: 57 of 1,612,998 alleles (0.0035%); highest among the groups gnomAD compares: Middle Eastern, 0.016%; no homozygotes.

Submissions (2):

Labcorp Genetics (formerly Invitae), Labcorp
Classification: Uncertain significance. Last evaluated: 2025-11-01. Review status: criteria provided, single submitter. Criteria: Invitae Variant Classification Sherloc (09022015). Collection method: clinical testing. Allele origin: germline.
Comment: This sequence change replaces arginine, which is basic and polar, with cysteine, which is neutral and slightly polar, at codon 487 of the APC2 protein (p.Arg487Cys). This variant is present in population databases (rs766629792, gnomAD 0.004%). This variant has not been reported in the literature in individuals affected with APC2-related conditions. Invitae Evidence Modeling of protein sequence and biophysical properties (such as structural, functional, and spatial information, amino acid conservation, physicochemical variation, residue mobility, and thermodynamic stability) indicates that this missense variant is expected to disrupt APC2 protein function with a positive predictive value of 80%. In summary, the available evidence is currently insufficient to determine the role of this variant in disease. Therefore, it has been classified as a Variant of Uncertain Significance.

Ambry Genetics
Classification: Uncertain significance for Inborn genetic diseases. Last evaluated: 2025-10-15. Review status: criteria provided, single submitter. Criteria: Ambry Variant Classification Scheme 2023. Collection method: clinical testing. Allele origin: germline.